The following is an entry in ClinVar:

ClinVar aggregate classification (germline): Pathogenic. Review status: criteria provided, single submitter (1 of 4 stars). 2 submissions from 2 submitters: Pathogenic (1). 1 of the submissions does not count toward it. Last evaluated 2022-05-04.

Conditions:
Familial long QT syndrome (RWS). Also called: Congenital long QT syndrome; Romano-Ward syndrome; VENTRICULAR FIBRILLATION WITH PROLONGED QT INTERVAL. Identifiers: Orphanet 768, MedGen C1141890, MONDO:0019171.
Short QT syndrome type 1. Identifiers: Orphanet 51083, MedGen C1865020, MONDO:0012312, OMIM 609620.

Submissions (2):

Mendelics
Classification: Pathogenic for Short QT syndrome type 1. Last evaluated: 2022-05-04. Review status: criteria provided, single submitter. Criteria: Mendelics Assertion Criteria 2019. Collection method: clinical testing. Allele origin: germline.

Cardiovascular Biomedical Research Unit, Royal Brompton & Harefield NHS Foundation Trust
No classification provided. Condition: Familial long QT syndrome. Review status: no classification provided. Collection method: literature only. Allele origin: germline. Not counted in ClinVar's aggregate classification.
Comment: This variant has been reported as associated with Long QT syndrome in the following publications (PMID:18441445;PMID:19419905). This is a literature report, and does not necessarily reflect the clinical interpretation of the Imperial College / Royal Brompton Cardiovascular Genetics laboratory.

Literature cited by the submitters: PubMed 18441445 (cited by Cardiovascular Biomedical Research Unit, Royal Brompton & Harefield NHS Foundation Trust); PubMed 19419905 (cited by Cardiovascular Biomedical Research Unit, Royal Brompton & Harefield NHS Foundation Trust); PubMed 22581653 (cited by Cardiovascular Biomedical Research Unit, Royal Brompton & Harefield NHS Foundation Trust).

NM_000238.4(KCNH2):c.127T>G (p.Tyr43Asp)

Gene: KCNH2 (potassium voltage-gated channel subfamily H member 2; minus strand). Cytogenetic location: 7q36.1.
Variant type: single nucleotide variant.
Coding change: c.127T>G on transcript NM_000238.4 (MANE Select); coding-DNA position 127, T replaced by G.
Protein change: p.Tyr43Asp; replaces tyrosine 43 with aspartic acid.
Molecular consequence: missense variant.
Genome position (GRCh38, 1-based): chr7:150,974,891, A>C on the plus strand (T>G on the coding strand, the complement: KCNH2 is on the minus strand). VCF-style: chr7-150974891-A-C. GRCh37 (hg19) VCF-style: chr7-150671979-A-C.
Other names: c.127T>G (LRG_288t1); c.-51T>G (NM_001406755.1); c.127T>G, p.Tyr43Asp (NM_172056.3); short protein forms Y43D.
Identifiers: ClinVar variation 67177 (VCV000067177.4), dbSNP rs199472837, ClinGen allele CA004378.